The following is an entry in ClinVar:

ClinVar aggregate classification (germline): Likely benign. Review status: criteria provided, multiple submitters, no conflicts (2 of 4 stars). 4 submissions from 4 submitters: Likely benign (3). 1 of the submissions does not count toward it. Last evaluated 2026-02-01.

Conditions:
Inborn genetic diseases. Identifiers: MedGen C0950123, MeSH D030342.

Allele frequency attached by ClinVar (database versions not stated): TOPMed 0.00002; ExAC 0.00004.
gnomAD v4.1: 37 of 1,599,754 alleles (0.0023%); highest among the groups gnomAD compares: Non-Finnish European, 0.0029%; no homozygotes.

Submissions (4):

CeGaT Center for Human Genetics Tuebingen
Classification: Likely benign. Last evaluated: 2026-02-01. Review status: criteria provided, single submitter. Criteria: CeGaT Center For Human Genetics Tuebingen Variant Classification Criteria Version 2. Collection method: clinical testing. Allele origin: germline. Affected: yes. Observed: 1 variant allele.
Comment: KMT2C: BS2

Ambry Genetics
Classification: Likely benign for Inborn genetic diseases. Last evaluated: 2024-08-29. Review status: criteria provided, single submitter. Criteria: Ambry Variant Classification Scheme 2023. Collection method: clinical testing. Allele origin: germline.

Labcorp Genetics (formerly Invitae), Labcorp
Classification: Likely benign. Last evaluated: 2022-07-15. Review status: criteria provided, single submitter. Criteria: Invitae Variant Classification Sherloc (09022015). Collection method: clinical testing. Allele origin: germline.

ITMI
No classification provided. Condition: AllHighlyPenetrant. Last evaluated: 2013-09-19. Review status: no classification provided. Collection method: reference population. Allele origin: germline. Not counted in ClinVar's aggregate classification.
Comment: Please see associated publication for description of ethnicities

Literature cited by the submitters: PubMed 24728327 (cited by ITMI).

NM_170606.3(KMT2C):c.12964C>T (p.Pro4322Ser)

Gene: KMT2C (lysine methyltransferase 2C; minus strand). Cytogenetic location: 7q36.1.
Variant type: single nucleotide variant.
Coding change: c.12964C>T on transcript NM_170606.3 (MANE Select); coding-DNA position 12964, C replaced by T.
Protein change: p.Pro4322Ser; replaces proline 4322 with serine.
Molecular consequence: missense variant.
Genome position (GRCh38, 1-based): chr7:152,148,963, G>A on the plus strand (C>T on the coding strand, the complement: KMT2C is on the minus strand). VCF-style: chr7-152148963-G-A. GRCh37 (hg19) VCF-style: chr7-151846048-G-A.
Other names: c.12964C>T (NM_170606.2); short protein forms P4322S.
Identifiers: ClinVar variation 134813 (VCV000134813.10), dbSNP rs587778511, ClinGen allele CA160795.